The following is an entry in ClinVar:

ClinVar aggregate classification (germline): Uncertain significance. Review status: criteria provided, multiple submitters, no conflicts (2 of 4 stars). 3 submissions from 3 submitters: Uncertain significance (3). Last evaluated 2025-05-19.

Conditions:
Inborn genetic diseases. Identifiers: MedGen C0950123, MeSH D030342.
Hereditary spastic paraplegia 11. Also called: SPASTIC PARAPLEGIA, AUTOSOMAL RECESSIVE, COMPLICATED, WITH THIN CORPUS CALLOSUM; SPASTIC PARAPLEGIA, AUTOSOMAL RECESSIVE, WITH MENTAL IMPAIRMENT AND THIN CORPUS CALLOSUM; Spastic Paraplegia 11; Nakamura Osame syndrome; Autosomal recessive hereditary spastic paraplegia, mental impairment, and thin corpus callosum; Spastic paraplegia, mental retardation and thin corpus callosum. Identifiers: Orphanet 2822, MedGen C1858479, MONDO:0011445, OMIM 604360.

Allele frequency attached by ClinVar (database versions not stated): gnomAD exomes below 0.00001 and 0.00001; gnomAD 0.00003; TOPMed 0.00008.
gnomAD v4.1: 9 of 1,614,006 alleles (0.00056%); highest among the groups gnomAD compares: Admixed American, 0.0083%; no homozygotes.

Submissions (3):

GeneDx
Classification: Uncertain significance. Last evaluated: 2025-05-19. Review status: criteria provided, single submitter. Criteria: GeneDx Variant Classification Process June 2021. Collection method: clinical testing. Allele origin: germline. Affected: yes.
Comment: In silico analysis suggests that this missense variant does not alter protein structure/function; Has not been previously published as pathogenic or benign to our knowledge

Ambry Genetics
Classification: Uncertain significance for Inborn genetic diseases. Last evaluated: 2024-03-01. Review status: criteria provided, single submitter. Criteria: Ambry Variant Classification Scheme 2023. Collection method: clinical testing. Allele origin: germline.

Labcorp Genetics (formerly Invitae), Labcorp
Classification: Uncertain significance for Hereditary spastic paraplegia 11. Last evaluated: 2022-04-28. Review status: criteria provided, single submitter. Criteria: Invitae Variant Classification Sherloc (09022015). Collection method: clinical testing. Allele origin: germline.
Comment: This sequence change replaces isoleucine, which is neutral and non-polar, with threonine, which is neutral and polar, at codon 1666 of the SPG11 protein (p.Ile1666Thr). This variant is present in population databases (no rsID available, gnomAD 0.003%). This variant has not been reported in the literature in individuals affected with SPG11-related conditions. ClinVar contains an entry for this variant (Variation ID: 642170). Algorithms developed to predict the effect of missense changes on protein structure and function output the following: SIFT: "Tolerated"; PolyPhen-2: "Benign"; Align-GVGD: "Class C0". The threonine amino acid residue is found in multiple mammalian species, which suggests that this missense change does not adversely affect protein function. In summary, the available evidence is currently insufficient to determine the role of this variant in disease. Therefore, it has been classified as a Variant of Uncertain Significance.

NM_025137.4(SPG11):c.4997T>C (p.Ile1666Thr)

Gene: SPG11 (SPG11 vesicle trafficking associated, spatacsin; minus strand). Cytogenetic location: 15q21.1.
Variant type: single nucleotide variant.
Coding change: c.4997T>C on transcript NM_025137.4 (MANE Select); coding-DNA position 4997, T replaced by C.
Protein change: p.Ile1666Thr; replaces isoleucine 1666 with threonine.
Molecular consequence: missense variant.
Genome position (GRCh38, 1-based): chr15:44,585,760, A>G on the plus strand (T>C on the coding strand, the complement: SPG11 is on the minus strand). VCF-style: chr15-44585760-A-G. GRCh37 (hg19) VCF-style: chr15-44877958-A-G.
Other names: c.4997T>C, p.Ile1666Thr (NM_001160227.2); short protein forms I1666T.
Identifiers: ClinVar variation 642170 (VCV000642170.7), dbSNP rs1008817337, ClinGen allele CA270081780.